The following is an entry in ClinVar:

NM_001001563.5(TIMM50):c.992A>C (p.Lys331Thr)

Gene: TIMM50 (translocase of inner mitochondrial membrane 50; plus strand). Cytogenetic location: 19q13.2.
Variant type: single nucleotide variant.
Coding change: c.992A>C on transcript NM_001001563.5 (MANE Select); coding-DNA position 992, A replaced by C.
Protein change: p.Lys331Thr; replaces lysine 331 with threonine.
Molecular consequence: missense variant.
Genome position (GRCh38, 1-based): chr19:39,489,750, A>C. VCF-style: chr19-39489750-A-C. GRCh37 (hg19) VCF-style: chr19-39980390-A-C.
Other names: c.653A>C, p.Lys218Thr (NM_001329559.2); short protein forms K218T, K331T.
Identifiers: ClinVar variation 2875869 (VCV002875869.3), dbSNP rs1172590257, ClinGen allele CA405790850.

ClinVar aggregate classification (germline): Uncertain significance (1 of 4 stars; one submission).

gnomAD v4.1: 21 of 1,611,946 alleles (0.0013%); highest among the groups gnomAD compares: Non-Finnish European, 0.0017%; no homozygotes.

Submission:

Labcorp Genetics (formerly Invitae), Labcorp
Classification: Uncertain significance. Last evaluated: 2022-12-30. Review status: criteria provided, single submitter. Criteria: Invitae Variant Classification Sherloc (09022015). Collection method: clinical testing. Allele origin: germline.
Comment: In summary, the available evidence is currently insufficient to determine the role of this variant in disease. Therefore, it has been classified as a Variant of Uncertain Significance. Algorithms developed to predict the effect of missense changes on protein structure and function are either unavailable or do not agree on the potential impact of this missense change (SIFT: "Not Available"; PolyPhen-2: "Benign"; Align-GVGD: "Not Available"). This variant has not been reported in the literature in individuals affected with TIMM50-related conditions. This variant is not present in population databases (gnomAD no frequency). This sequence change replaces lysine, which is basic and polar, with threonine, which is neutral and polar, at codon 434 of the TIMM50 protein (p.Lys434Thr).